The following is an entry in ClinVar:

NM_000350.3(ABCA4):c.2494G>A (p.Asp832Asn)

Gene: ABCA4 (ATP binding cassette subfamily A member 4; minus strand). Cytogenetic location: 1p22.1.
Variant type: single nucleotide variant.
Coding change: c.2494G>A on transcript NM_000350.3 (MANE Select); coding-DNA position 2494, G replaced by A.
Protein change: p.Asp832Asn; replaces aspartic acid 832 with asparagine.
Molecular consequence: missense variant.
Genome position (GRCh38, 1-based): chr1:94,055,204, C>T on the plus strand (G>A on the coding strand, the complement: ABCA4 is on the minus strand). VCF-style: chr1-94055204-C-T. GRCh37 (hg19) VCF-style: chr1-94520760-C-T.
Other names: c.2272G>A, p.Asp758Asn (NM_001425324.1); short protein forms D758N, D832N.
Identifiers: ClinVar variation 4854061 (VCV004854061.2).

ClinVar aggregate classification (germline): Uncertain significance. Review status: criteria provided, multiple submitters, no conflicts (2 of 4 stars). 2 submissions from 2 submitters: Uncertain significance (2). Last evaluated 2026-01-13.

Conditions:
ABCA4-related disorder. Also called: ABCA4-related condition; ABCA4-related disorders. Identifiers: MedGen CN239167.

gnomAD v4.1: 23 of 1,614,054 alleles (0.0014%); highest among the groups gnomAD compares: Non-Finnish European, 0.0019%; no homozygotes.

Submissions (2):

3billion
Classification: Uncertain significance for ABCA4-related disorder. Last evaluated: 2026-01-13. Review status: criteria provided, single submitter. Criteria: ACMG Guidelines, 2015. Collection method: clinical testing. Allele origin: germline. Affected: yes.
Comment: The variant is observed at an extremely low frequency in the gnomAD v4.1.0 dataset (total allele frequency: 0.001%). Predicted Consequence/Location: Missense variant In silico tool prediction suggests damaging effect of the variant on gene or gene product [REVEL: 0.67 (>=0.6, sensitivity 0.68 and specificity 0.92)]. A different missense change at the same codon (p.Asp832Tyr) has been reported to be associated with ABCA4-related disorder (PMID: 31212395). Therefore, this variant is classified as VUS according to the recommendation of ACMG/AMP guideline.

Blueprint Genetics
Classification: Uncertain significance. Last evaluated: 2018-11-19. Review status: criteria provided, single submitter. Criteria: ACMG Guidelines, 2015. Collection method: clinical testing. Allele origin: germline.

Literature cited by the submitters: PubMed 31212395 (cited by 3billion).